The following is an entry in ClinVar:

NM_001267550.2(TTN):c.93509C>G (p.Thr31170Ser)

Genes: TTN (titin; minus strand), TTN-AS1 (TTN antisense RNA 1; plus strand). Cytogenetic location: 2q31.2.
Variant type: single nucleotide variant.
Coding change: c.93509C>G on transcript NM_001267550.2 (MANE Select); coding-DNA position 93509, C replaced by G.
Protein change: p.Thr31170Ser; replaces threonine 31170 with serine.
Molecular consequence: missense variant.
Genome position (GRCh38, 1-based): chr2:178,548,117, G>C on the plus strand (C>G on the coding strand, the complement: TTN is on the minus strand). VCF-style: chr2-178548117-G-C. GRCh37 (hg19) VCF-style: chr2-179412844-G-C.
Other names: c.88586C>G, p.Thr29529Ser (NM_001256850.1); c.66314C>G, p.Thr22105Ser (NM_003319.4); c.85805C>G, p.Thr28602Ser (NM_133378.4); c.66689C>G, p.Thr22230Ser (NM_133432.3); c.66890C>G, p.Thr22297Ser (NM_133437.4); short protein forms T29529S, T31170S, T22230S, T22297S, T22105S, T28602S.
Identifiers: ClinVar variation 679592 (VCV000679592.1), dbSNP rs1575469972, ClinGen allele CA349484760.

ClinVar aggregate classification (germline): Likely benign (1 of 4 stars; one submission).

Allele frequency attached by ClinVar (database versions not stated): TOPMed below 0.00001.

Submission:

GeneDx
Classification: Likely benign. Last evaluated: 2018-04-23. Review status: criteria provided, single submitter. Criteria: GeneDx Variant Classification (06012015). Collection method: clinical testing. Allele origin: germline. Affected: yes.
Comment: This variant is considered likely benign or benign based on one or more of the following criteria: it is a conservative change, it occurs at a poorly conserved position in the protein, it is predicted to be benign by multiple in silico algorithms, and/or has population frequency not consistent with disease.